The following is an entry in ClinVar:

NM_001365999.1(SZT2):c.7873+5G>A

Gene: SZT2 (SZT2 subunit of KICSTOR complex; plus strand). Cytogenetic location: 1p34.2.
Variant type: single nucleotide variant.
Coding change: c.7873+5G>A on transcript NM_001365999.1 (MANE Select); 5 bases into the intron after coding-DNA position 7873, G replaced by A.
Molecular consequence: intron variant.
Genome position (GRCh38, 1-based): chr1:43,442,135, G>A. VCF-style: chr1-43442135-G-A. GRCh37 (hg19) VCF-style: chr1-43907806-G-A.
Other names: c.7702+5G>A (NM_015284.4).
Identifiers: ClinVar variation 589863 (VCV000589863.58), dbSNP rs374303767, ClinGen allele CA810359.

ClinVar aggregate classification (germline): Uncertain significance. Review status: criteria provided, multiple submitters, no conflicts (2 of 4 stars). 5 submissions from 5 submitters: Uncertain significance (5). Last evaluated 2025-10-10.

Conditions:
Inborn genetic diseases. Identifiers: MedGen C0950123, MeSH D030342.
Developmental and epileptic encephalopathy, 18 (DEE18). Also called: Early infantile epileptic encephalopathy 18. Identifiers: Orphanet 369894, MedGen C3809624, MONDO:0014201, OMIM 615476.

Allele frequency attached by ClinVar (database versions not stated): ExAC 0.00003; gnomAD 0.00003; TOPMed 0.00003; gnomAD exomes 0.00004; ESP Exome Variant Server 0.00008.
gnomAD v4.1: 58 of 1,611,534 alleles (0.0036%); highest among the groups gnomAD compares: Non-Finnish European, 0.0047%; no homozygotes.

Submissions (5):

GeneDx
Classification: Uncertain significance. Last evaluated: 2025-10-10. Review status: criteria provided, single submitter. Criteria: GeneDx Variant Classification Process June 2021. Collection method: clinical testing. Allele origin: germline. Affected: yes.
Comment: Identified in the heterozygous state in a patient with epilepsy in the published literature (PMID: 35478072); Not observed at significant frequency in large population cohorts (gnomAD); In silico analysis suggests this variant may impact gene splicing. In the absence of RNA/functional studies, the actual effect of this sequence change is unknown.; This variant is associated with the following publications: (PMID: 35478072)

Blueprint Genetics
Classification: Uncertain significance. Last evaluated: 2024-01-11. Review status: criteria provided, single submitter. Criteria: ACMG Guidelines, 2015. Collection method: clinical testing. Allele origin: germline.

Labcorp Genetics (formerly Invitae), Labcorp
Classification: Uncertain significance. Last evaluated: 2023-06-11. Review status: criteria provided, single submitter. Criteria: Invitae Variant Classification Sherloc (09022015). Collection method: clinical testing. Allele origin: germline.
Comment: This variant has not been reported in the literature in individuals affected with SZT2-related conditions. This variant is present in population databases (rs374303767, gnomAD 0.009%). This sequence change falls in intron 55 of the SZT2 gene. It does not directly change the encoded amino acid sequence of the SZT2 protein. It affects a nucleotide within the consensus splice site. ClinVar contains an entry for this variant (Variation ID: 589863). In summary, the available evidence is currently insufficient to determine the role of this variant in disease. Therefore, it has been classified as a Variant of Uncertain Significance. Variants that disrupt the consensus splice site are a relatively common cause of aberrant splicing (PMID: 17576681, 9536098). Algorithms developed to predict the effect of sequence changes on RNA splicing suggest that this variant may create or strengthen a splice site.

Genome-Nilou Lab
Classification: Uncertain significance for Developmental and epileptic encephalopathy, 18. Last evaluated: 2023-04-11. Review status: criteria provided, single submitter. Criteria: ACMG Guidelines, 2015. Collection method: clinical testing. Allele origin: germline. Affected: no.

Ambry Genetics
Classification: Uncertain significance for Inborn genetic diseases. Last evaluated: 2016-06-30. Review status: criteria provided, single submitter. Criteria: Ambry Variant Classification Scheme 2023. Collection method: clinical testing. Allele origin: germline.
Comment: The c.7702+5G>A intronic variant results from a G to A substitution 5 nucleotides after coding exon 55 in the SZT2 gene. Based on data from the NHLBI Exome Sequencing Project (ESP), the A allele has an overall frequency of approximately 0.01% (1/12970) total alleles studied and 0.01% (1/8572) European American alleles. This nucleotide position is highly conserved in available vertebrate species. Using two different splice site prediction tools, this alteration is predicted by BDGP to abolish the native splice donor site, but is predicted to weaken (but not abolish) the efficiency of the native splice donor site by ESEfinder; however, direct evidence is unavailable. Since supporting evidence is limited at this time, the clinical significance of this alteration remains unclear.

Literature cited by the submitters: PubMed 17576681 (cited by Labcorp Genetics (formerly Invitae), Labcorp); PubMed 9536098 (cited by Labcorp Genetics (formerly Invitae), Labcorp).